The following is an entry in ClinVar:

ClinVar aggregate classification (germline): Uncertain significance. Review status: criteria provided, multiple submitters, no conflicts (2 of 4 stars). 2 submissions from 2 submitters: Uncertain significance (2). Last evaluated 2024-01-01.

Conditions:
Kabuki syndrome 2 (KABUK2). Also called: KDM6A-Related Kabuki Syndrome. Identifiers: Orphanet 2322, MedGen C3275495, MONDO:0010465, OMIM 300867.

Allele frequency attached by ClinVar (database versions not stated): TOPMed below 0.00001; ExAC 0.00001.
gnomAD v4.1: 6 of 1,211,387 alleles (0.0005%); highest among the groups gnomAD compares: Non-Finnish European, 0.00056%; no homozygotes.

Submissions (2):

Fulgent Genetics
Classification: Uncertain significance for Kabuki syndrome 2. Last evaluated: 2024-01-01. Review status: criteria provided, single submitter. Criteria: ACMG Guidelines, 2015. Collection method: clinical testing. Allele origin: germline.

Labcorp Genetics (formerly Invitae), Labcorp
Classification: Uncertain significance for Kabuki syndrome 2. Last evaluated: 2023-09-11. Review status: criteria provided, single submitter. Criteria: Invitae Variant Classification Sherloc (09022015). Collection method: clinical testing. Allele origin: germline.
Comment: This variant has not been reported in the literature in individuals affected with KDM6A-related conditions. In summary, the available evidence is currently insufficient to determine the role of this variant in disease. Therefore, it has been classified as a Variant of Uncertain Significance. Advanced modeling of protein sequence and biophysical properties (such as structural, functional, and spatial information, amino acid conservation, physicochemical variation, residue mobility, and thermodynamic stability) performed at Invitae indicates that this missense variant is not expected to disrupt KDM6A protein function. The frequency data for this variant in the population databases is considered unreliable, as metrics indicate poor data quality at this position in the gnomAD database. This sequence change replaces threonine, which is neutral and polar, with arginine, which is basic and polar, at codon 730 of the KDM6A protein (p.Thr730Arg).

NM_001291415.2(KDM6A):c.2345C>G (p.Thr782Arg)

Gene: KDM6A (lysine demethylase 6A; plus strand). Cytogenetic location: Xp11.3.
Variant type: single nucleotide variant.
Coding change: c.2345C>G on transcript NM_001291415.2 (MANE Select); coding-DNA position 2345, C replaced by G.
Protein change: p.Thr782Arg; replaces threonine 782 with arginine.
Molecular consequence: missense variant. On other transcripts: non-coding transcript variant (1).
Genome position (GRCh38, 1-based): chrX:45,069,844, C>G. VCF-style: chrX-45069844-C-G. GRCh37 (hg19) VCF-style: chrX-44929089-C-G.
Other names: c.2210C>G, p.Thr737Arg (NM_001419811.1, NM_001291416.2); c.2189C>G, p.Thr730Arg (NM_001419812.1, NM_021140.4); c.2243C>G, p.Thr748Arg (NM_001419813.1, NM_001419810.1); c.2087C>G, p.Thr696Arg (NM_001419814.1, NM_001410742.1); c.1952C>G, p.Thr651Arg (NM_001419815.1, NM_001291418.2); c.2189C>G (NM_021140.3); c.2054C>G, p.Thr685Arg (NM_001291417.2); c.1301C>G, p.Thr434Arg (NM_001291421.2); and 1 more; short protein forms T730R, T737R, T748R, T782R, T434R, T685R, T696R, T651R.
Identifiers: ClinVar variation 2888779 (VCV002888779.4), dbSNP rs775630807, ClinGen allele CA10392496.